The following is an entry in ClinVar:

NM_004380.3(CREBBP):c.6357_6374dup (p.Gly2126_Met2127insLeuGlnSerGlnProGly)

Gene: CREBBP (CREB binding protein; minus strand). Cytogenetic location: 16p13.3.
Variant type: Duplication.
Coding change: c.6357_6374dup on transcript NM_004380.3 (MANE Select); coding-DNA positions 6357 to 6374, 18 bases duplicated (TGGCCTCCAGTCCCAGCC).
Protein change: p.Gly2126_Met2127insLeuGlnSerGlnProGly.
Molecular consequence: inframe insertion.
Genome position (GRCh38, 1-based): chr16:3,728,673-3,728,690, GGCTGGGACTGGAGGCCA duplicated on the plus strand (TGGCCTCCAGTCCCAGCC on the coding strand, the reverse complement: CREBBP is on the minus strand); duplicating any 18 consecutive bases within chr16:3,728,673-3,728,697 gives the same sequence; the c. name uses the placement nearest the transcript's 3' end. VCF-style (leftmost placement, unchanged base first): chr16-3728672-G-GGGCTGGGACTGGAGGCCA. GRCh37 (hg19) VCF-style: chr16-3778673-G-GGGCTGGGACTGGAGGCCA.
Other names: c.6243_6260dup, p.Gly2088_Met2089insLeuGlnSerGlnProGly (NM_001079846.1).
Identifiers: ClinVar variation 3367006 (VCV003367006.1).

ClinVar aggregate classification (germline): Uncertain significance (1 of 4 stars; one submission).

Conditions:
Menke-Hennekam syndrome 1 (MKHK1). Identifiers: MedGen C5193034, MONDO:0020763, OMIM 618332.

Submission:

Neuberg Centre For Genomic Medicine, NCGM
Classification: Uncertain significance for Menke-Hennekam syndrome 1. Last evaluated: 2023-05-20. Review status: criteria provided, single submitter. Criteria: ACMG Guidelines, 2015. Collection method: clinical testing. Allele origin: germline. Inheritance: Autosomal dominant inheritance. Affected: yes.
Comment: The inframe insertion variant c.6357_6374dup(p.Leu2121_Gly2126dup) in CREBBP gene has not been reported previously as a pathogenic variant nor as a benign variant, to our knowledge. The observed variant is absent in gnomAD exomes database. This variant has not been submitted to the ClinVar database. This variant p.Leu2121_Gly2126dup causes duplication of amino acid Leucine at postion 2121 and Glycine at postion 2126. For these reasons, this variant has been classified as Uncertain Significance (VUS).